The following is an entry in ClinVar:

ClinVar aggregate classification (germline): Uncertain significance. Review status: criteria provided, multiple submitters, no conflicts (2 of 4 stars). 2 submissions from 2 submitters: Uncertain significance (2). Last evaluated 2025-01-08.

Conditions:
Inborn genetic diseases. Identifiers: MedGen C0950123, MeSH D030342.

Submissions (2):

Labcorp Genetics (formerly Invitae), Labcorp
Classification: Uncertain significance. Last evaluated: 2025-01-08. Review status: criteria provided, single submitter. Criteria: Invitae Variant Classification Sherloc (09022015). Collection method: clinical testing. Allele origin: germline.
Comment: This sequence change replaces asparagine, which is neutral and polar, with lysine, which is basic and polar, at codon 4725 of the PCLO protein (p.Asn4725Lys). This variant is not present in population databases (gnomAD no frequency). This variant has not been reported in the literature in individuals affected with PCLO-related conditions. Experimental studies and prediction algorithms are not available or were not evaluated, and the functional significance of this variant is currently unknown. In summary, the available evidence is currently insufficient to determine the role of this variant in disease. Therefore, it has been classified as a Variant of Uncertain Significance.

Ambry Genetics
Classification: Uncertain significance for Inborn genetic diseases. Last evaluated: 2024-06-17. Review status: criteria provided, single submitter. Criteria: Ambry Variant Classification Scheme 2023. Collection method: clinical testing. Allele origin: germline.

NM_033026.6(PCLO):c.14175T>G (p.Asn4725Lys)

Gene: PCLO (piccolo presynaptic cytomatrix protein; minus strand). Cytogenetic location: 7q21.11.
Variant type: single nucleotide variant.
Coding change: c.14175T>G on transcript NM_033026.6 (MANE Select); coding-DNA position 14175, T replaced by G.
Protein change: p.Asn4725Lys; replaces asparagine 4725 with lysine.
Molecular consequence: missense variant.
Genome position (GRCh38, 1-based): chr7:82,838,265, A>C on the plus strand (T>G on the coding strand, the complement: PCLO is on the minus strand). VCF-style: chr7-82838265-A-C. GRCh37 (hg19) VCF-style: chr7-82467581-A-C.
Other names: c.14175T>G, p.Asn4725Lys (NM_014510.3); short protein forms N4725K.
Identifiers: ClinVar variation 3305162 (VCV003305162.3).